The following is an entry in ClinVar:

ClinVar aggregate classification (germline): Uncertain significance (1 of 4 stars; one submission).

gnomAD v4.1: 46 of 1,613,224 alleles (0.0029%); highest among the groups gnomAD compares: Non-Finnish European, 0.0037%; no homozygotes.

Submission:

Women's Health and Genetics/Laboratory Corporation of America, LabCorp
Classification: Uncertain significance. Last evaluated: 2025-10-08. Review status: criteria provided, single submitter. Criteria: LabCorp Variant Classification Summary - May 2015. Collection method: clinical testing. Allele origin: germline.
Comment: Variant summary: TET3 c.883A>G (p.Met295Val) results in a conservative amino acid change in the encoded protein sequence. Algorithms developed to predict the effect of missense changes on protein structure and function all suggest that this variant is likely to be tolerated. The variant allele was found at a frequency of 1.6e-05 in 246438 control chromosomes. The available data on variant occurrences in the general population are insufficient to allow any conclusion about variant significance. To our knowledge, no occurrence of c.883A>G in individuals affected with TET3-related conditions and no experimental evidence demonstrating its impact on protein function have been reported. No submitters have cited clinical-significance assessments for this variant to ClinVar. Based on the evidence outlined above, the variant was classified as uncertain significance.

NM_001287491.2(TET3):c.883A>G (p.Met295Val)

Gene: TET3 (tet methylcytosine dioxygenase 3; plus strand). Cytogenetic location: 2p13.1.
Variant type: single nucleotide variant.
Coding change: c.883A>G on transcript NM_001287491.2 (MANE Select); coding-DNA position 883, A replaced by G.
Protein change: p.Met295Val; replaces methionine 295 with valine.
Molecular consequence: missense variant.
Genome position (GRCh38, 1-based): chr2:74,046,800, A>G. VCF-style: chr2-74046800-A-G. GRCh37 (hg19) VCF-style: chr2-74273927-A-G.
Other names: c.604A>G, p.Met202Val (NM_001366022.1); short protein forms M202V, M295V.
Identifiers: ClinVar variation 4687445 (VCV004687445.1).